The following is an entry in ClinVar:

ClinVar aggregate classification (germline): Likely benign (0 of 4 stars; one submission).

Conditions:
SEMA3B-related disorder. Also called: SEMA3B-related condition.

gnomAD v4.1: 23 of 1,536,984 alleles (0.0015%); highest among the groups gnomAD compares: Admixed American, 0.002%; no homozygotes.

Submission:

PreventionGenetics, part of Exact Sciences
Classification: Likely benign for SEMA3B-related condition. Last evaluated: 2022-01-12. Review status: no assertion criteria provided. Collection method: clinical testing. Allele origin: germline.
Comment: This variant is classified as likely benign based on ACMG/AMP sequence variant interpretation guidelines (Richards et al. 2015 PMID: 25741868, with internal and published modifications).

NM_001290060.2(SEMA3B):c.21C>T (p.Ala7=)

Gene: SEMA3B (semaphorin 3B; plus strand). Cytogenetic location: 3p21.31.
Variant type: single nucleotide variant.
Coding change: c.21C>T on transcript NM_001290060.2 (MANE Select); coding-DNA position 21, C replaced by T.
Protein change: p.Ala7=; no amino-acid change (alanine 7 retained).
Molecular consequence: synonymous variant.
Genome position (GRCh38, 1-based): chr3:50,269,261, C>T. VCF-style: chr3-50269261-C-T. GRCh37 (hg19) VCF-style: chr3-50306693-C-T.
Other names: c.21C>T, p.Ala7= (NM_001005914.3, NM_001290061.1, NM_004636.4).
Identifiers: ClinVar variation 3358833 (VCV003358833.1).